The following is an entry in ClinVar:

NM_206933.4(USH2A):c.1678C>T (p.Pro560Ser)

Gene: USH2A (usherin; minus strand). Cytogenetic location: 1q41.
Variant type: single nucleotide variant.
Coding change: c.1678C>T on transcript NM_206933.4 (MANE Select); coding-DNA position 1678, C replaced by T.
Protein change: p.Pro560Ser; replaces proline 560 with serine.
Molecular consequence: missense variant.
Genome position (GRCh38, 1-based): chr1:216,292,337, G>A on the plus strand (C>T on the coding strand, the complement: USH2A is on the minus strand). VCF-style: chr1-216292337-G-A. GRCh37 (hg19) VCF-style: chr1-216465679-G-A.
Other names: c.1678C>T, p.Pro560Ser (NM_007123.6); short protein forms P560S.
Identifiers: ClinVar variation 1403629 (VCV001403629.4), dbSNP rs147509797, ClinGen allele CA37892164.
Genomic context (GRCh38, chr1:216,292,337, plus strand): 5'-GGCTGTTGCATTGACAAGGTTTACAATTGAAAGCGTAAACTTGATCACCTTGGCGGAAAG[G>A]CTTGTCATTATAAAGAGGCAAGCAGCGATCACACTAGAACAAAAAATATCAGAACAGTAA-3'
Protein context (NP_996816.3, residues 550-570): DRCLPLYNDK[Pro560Ser]FRQGDQVYAF

ClinVar aggregate classification (germline): Uncertain significance (1 of 4 stars; one submission).

Allele frequency attached by ClinVar (database versions not stated): ESP Exome Variant Server 0.00008.
gnomAD v4.1: 6 of 1,613,986 alleles (0.00037%); highest among the groups gnomAD compares: Non-Finnish European, 0.00042%; no homozygotes.

Submission:

Labcorp Genetics (formerly Invitae), Labcorp
Classification: Uncertain significance. Last evaluated: 2022-10-17. Review status: criteria provided, single submitter. Criteria: Invitae Variant Classification Sherloc (09022015). Collection method: clinical testing. Allele origin: germline.
Comment: This sequence change replaces proline, which is neutral and non-polar, with serine, which is neutral and polar, at codon 560 of the USH2A protein (p.Pro560Ser). This variant is not present in population databases (gnomAD no frequency). This variant has not been reported in the literature in individuals affected with USH2A-related conditions. ClinVar contains an entry for this variant (Variation ID: 1403629). Advanced modeling of protein sequence and biophysical properties (such as structural, functional, and spatial information, amino acid conservation, physicochemical variation, residue mobility, and thermodynamic stability) has been performed at Invitae for this missense variant, however the output from this modeling did not meet the statistical confidence thresholds required to predict the impact of this variant on USH2A protein function. In summary, the available evidence is currently insufficient to determine the role of this variant in disease. Therefore, it has been classified as a Variant of Uncertain Significance.